The following is an entry in ClinVar:

NM_001035.3(RYR2):c.8454C>T (p.Ala2818=)

Gene: RYR2 (ryanodine receptor 2; plus strand). Cytogenetic location: 1q43.
Variant type: single nucleotide variant.
Coding change: c.8454C>T on transcript NM_001035.3 (MANE Select); coding-DNA position 8454, C replaced by T.
Protein change: p.Ala2818=; no amino-acid change (alanine 2818 retained).
Molecular consequence: synonymous variant.
Genome position (GRCh38, 1-based): chr1:237,666,529, C>T. VCF-style: chr1-237666529-C-T. GRCh37 (hg19) VCF-style: chr1-237829829-C-T.
Identifiers: ClinVar variation 920915 (VCV000920915.12), dbSNP rs916645207, ClinGen allele CA39813079.
Genomic context (GRCh38, chr1:237,666,529, plus strand): 5'-AAGGTTTTTAATGAGGCACTGTTTTTTCACACAAATGATCTAGGTTTCTGTGGACGCTGC[C>T]CATGGTTACAGTCCCCGGGCCATTGACATGAGCAATGTTACACTATCTAGAGACCTGCAT-3'
Protein context (NP_001026.2, residues 2808-2828): SQTSQVSVDA[Ala2818=]HGYSPRAIDM

ClinVar aggregate classification (germline): Likely benign. Review status: criteria provided, multiple submitters, no conflicts (2 of 4 stars). 3 submissions from 3 submitters: Likely benign (3). Last evaluated 2024-06-17.

Conditions:
Catecholaminergic polymorphic ventricular tachycardia (CVPT). Also called: Catecholamine-induced polymorphic ventricular tachycardia. Identifiers: Orphanet 3286, MedGen C5574922, MONDO:0017990.
Catecholaminergic polymorphic ventricular tachycardia 1. Also called: VENTRICULAR TACHYCARDIA, CATECHOLAMINERGIC POLYMORPHIC, 1, WITH OR WITHOUT ATRIAL DYSFUNCTION AND/OR DILATED CARDIOMYOPATHY; RYR2-Related Catecholaminergic Polymorphic Ventricular Tachycardia; VENTRICULAR TACHYCARDIA, STRESS-INDUCED POLYMORPHIC 1. Identifiers: Orphanet 3286, MedGen C1631597, MONDO:0011484, OMIM 604772.
Cardiomyopathy (CMYO). Also called: Cardiomyopathies. Identifiers: Orphanet 167848, MedGen C0878544, MONDO:0004994, HP:0001638. Inheritance: Various modes of inheritance.

Allele frequency attached by ClinVar (database versions not stated): TOPMed below 0.00001.

Submissions (3):

All of Us Research Program, National Institutes of Health
Classification: Likely benign for Catecholaminergic polymorphic ventricular tachycardia. Last evaluated: 2024-06-17. Review status: criteria provided, single submitter. Criteria: ACMG Guidelines, 2015. Collection method: clinical testing. Allele origin: germline. Inheritance: Autosomal dominant inheritance. Observed: 1 variant allele, 1 heterozygote.
Comment: This study involves interpretation of variants in research participants for the purpose of population health screening. Participant phenotype was not available at the time of variant classification. Additional details can be found in publication PMID: 35346344, PMCID: PMC8962531

Labcorp Genetics (formerly Invitae), Labcorp
Classification: Likely benign for Catecholaminergic polymorphic ventricular tachycardia 1. Last evaluated: 2023-03-20. Review status: criteria provided, single submitter. Criteria: Invitae Variant Classification Sherloc (09022015). Collection method: clinical testing. Allele origin: germline.

Color Diagnostics, LLC DBA Color Health
Classification: Likely benign for Cardiomyopathy. Last evaluated: 2019-12-09. Review status: criteria provided, single submitter. Criteria: ACMG Guidelines, 2015. Collection method: clinical testing. Allele origin: germline.